The following is an entry in ClinVar:

NM_007294.4(BRCA1):c.1679A>T (p.Asp560Val)

Gene: BRCA1 (BRCA1 DNA repair associated; minus strand). Cytogenetic location: 17q21.31.
Variant type: single nucleotide variant.
Coding change: c.1679A>T on transcript NM_007294.4 (MANE Select); coding-DNA position 1679, A replaced by T.
Protein change: p.Asp560Val; replaces aspartic acid 560 with valine.
Molecular consequence: missense variant. On other transcripts: intron variant (137).
Genome position (GRCh38, 1-based): chr17:43,093,852, T>A on the plus strand (A>T on the coding strand, the complement: BRCA1 is on the minus strand). VCF-style: chr17-43093852-T-A. GRCh37 (hg19) VCF-style: chr17-41245869-T-A.
Other names: c.1469A>T, p.Asp490Val (NM_001407886.1, NM_001407887.1, NM_001407889.1 and 13 more transcripts); c.1466A>T, p.Asp489Val (NM_001407895.1, NM_001407896.1, NM_001407897.1 and 9 more transcripts); c.1679A>T, p.Asp560Val (NM_001407581.1, NM_001407582.1, NM_001407583.1 and 30 more transcripts); c.1676A>T, p.Asp559Val (NM_001407587.1, NM_001407590.1, NM_001407591.1 and 22 more transcripts); c.1670A>T, p.Asp557Val (NM_001407646.1, NM_001407647.1); c.1556A>T, p.Asp519Val (NM_001407648.1, NM_001407664.1, NM_001407665.1 and 19 more transcripts); c.1553A>T, p.Asp518Val (NM_001407649.1, NM_001407670.1, NM_001407671.1 and 11 more transcripts); c.1601A>T, p.Asp534Val (NM_001407653.1, NM_001407654.1, NM_001407655.1 and 4 more transcripts); and 40 more; short protein forms D560V, D513V, D264V, D490V, D492V, D512V, D534V, D432V.
Identifiers: ClinVar variation 628573 (VCV000628573.14), dbSNP rs1567798739, ClinGen allele CA10598673.
Genomic context (GRCh38, chr17:43,093,852, plus strand): 5'-AAAGCAGATTCTTTTTCGAGTGATTCTATTGGGTTAGGATTTTTCTCATTCTGAATAGAA[T>A]CACCTTTTGTTTTATTCTCATGACCACTATTAGTAATATTCATCACTTGACCATTCTGCT-3'
Protein context (NP_009225.1, residues 550-570): NSGHENKTKG[Asp560Val]SIQNEKNPNP

ClinVar aggregate classification (germline): Conflicting classifications of pathogenicity. Review status: criteria provided, conflicting classifications (1 of 4 stars). 3 submissions from 3 submitters: Uncertain significance (2); Likely benign (1). Last evaluated 2023-03-23.

Conditions:
Hereditary cancer-predisposing syndrome. Also called: Neoplastic Syndromes, Hereditary; Tumor predisposition; Hereditary neoplastic syndrome; Hereditary Cancer Syndrome. Identifiers: Orphanet 140162, MedGen C0027672, MeSH D009386, MONDO:0015356.
Hereditary breast ovarian cancer syndrome. Also called: Hereditary breast and ovarian cancer syndrome; Hereditary breast and ovarian cancer; Hereditary breast and ovarian cancer syndrome (HBOC); Breast and ovarian cancer; Hereditary breast and/or ovarian cancer syndrome; BRCA1- and BRCA2-Associated Hereditary Breast and Ovarian Cancer. Identifiers: Orphanet 145, MedGen C0677776, MeSH D061325, MONDO:0003582. Disease mechanism: loss of function.

gnomAD v4.1: 1 of 1,613,710 alleles (0.000062%); no homozygotes.

Submissions (3):

University of Washington Department of Laboratory Medicine, University of Washington
Classification: Likely benign for Hereditary cancer-predisposing syndrome. Last evaluated: 2023-03-23. Review status: criteria provided, single submitter. Criteria: Dines et al. (Genet Med. 2020). Collection method: curation. Allele origin: germline.
Comment: Missense variant in a coldspot region where missense variants are very unlikely to be pathogenic (PMID:31911673).

BRCA1 coldspot (exon 11 using historical exon numbering). Reclassification based on statistical prior probability

Labcorp Genetics (formerly Invitae), Labcorp
Classification: Uncertain significance for Hereditary breast ovarian cancer syndrome. Last evaluated: 2021-04-11. Review status: criteria provided, single submitter. Criteria: Invitae Variant Classification Sherloc (09022015). Collection method: clinical testing. Allele origin: germline.
Comment: In summary, the available evidence is currently insufficient to determine the role of this variant in disease. Therefore, it has been classified as a Variant of Uncertain Significance. Advanced modeling of protein sequence and biophysical properties (such as structural, functional, and spatial information, amino acid conservation, physicochemical variation, residue mobility, and thermodynamic stability) performed at Invitae indicates that this missense variant is not expected to disrupt BRCA1 protein function. This variant has been observed in individual(s) with clinical features of hereditary breast and ovarian cancer syndrome (PMID: 26852015). ClinVar contains an entry for this variant (Variation ID: 628573). This variant is not present in population databases (ExAC no frequency). This sequence change replaces aspartic acid with valine at codon 560 of the BRCA1 protein (p.Asp560Val). The aspartic acid residue is moderately conserved and there is a large physicochemical difference between aspartic acid and valine.

Color Diagnostics, LLC DBA Color Health
Classification: Uncertain significance for Hereditary cancer-predisposing syndrome. Last evaluated: 2019-05-02. Review status: criteria provided, single submitter. Criteria: ACMG Guidelines, 2015. Collection method: clinical testing. Allele origin: germline.

Literature cited by the submitters: PubMed 26852015 (cited by Labcorp Genetics (formerly Invitae), Labcorp).